The following is an entry in ClinVar:

NM_198253.3(TERT):c.3116C>T (p.Thr1039Met)

Gene: TERT (telomerase reverse transcriptase; minus strand). Cytogenetic location: 5p15.33.
Variant type: single nucleotide variant.
Coding change: c.3116C>T on transcript NM_198253.3 (MANE Select); coding-DNA position 3116, C replaced by T.
Protein change: p.Thr1039Met; replaces threonine 1039 with methionine.
Molecular consequence: missense variant. On other transcripts: non-coding transcript variant (2).
Genome position (GRCh38, 1-based): chr5:1,255,328, G>A on the plus strand (C>T on the coding strand, the complement: TERT is on the minus strand). VCF-style: chr5-1255328-G-A. GRCh37 (hg19) VCF-style: chr5-1255443-G-A.
Other names: c.2927C>T, p.Thr976Met (NM_001193376.3); short protein forms T1039M, T976M.
Identifiers: ClinVar variation 572727 (VCV000572727.13), dbSNP rs763381198, ClinGen allele CA3184282.

ClinVar aggregate classification (germline): Conflicting classifications of pathogenicity. Review status: criteria provided, conflicting classifications (1 of 4 stars). 3 submissions from 3 submitters: Uncertain significance (2); Likely benign (1). Last evaluated 2025-05-05.

Conditions:
Dyskeratosis congenita. Identifiers: Orphanet 1775, MedGen C0265965, MONDO:0015780.
Idiopathic Pulmonary Fibrosis. Also called: Idiopathic fibrosing alveolitis, chronic form; idiopathic fibrosing alveolitis. Identifiers: Orphanet 2032, MedGen C1800706, MeSH D054990, MONDO:0800504.
Dyskeratosis congenita, autosomal dominant 2. Identifiers: MedGen C3151443, MONDO:0013521, OMIM 613989.

Allele frequency attached by ClinVar (database versions not stated): ExAC 0.00001; gnomAD exomes 0.00001; gnomAD 0.00003.
gnomAD v4.1: 32 of 1,614,074 alleles (0.002%); highest among the groups gnomAD compares: African/African-American, 0.011%; no homozygotes.

Submissions (3):

Labcorp Genetics (formerly Invitae), Labcorp
Classification: Likely benign for Dyskeratosis congenita, autosomal dominant 2; Idiopathic Pulmonary Fibrosis. Last evaluated: 2025-05-05. Review status: criteria provided, single submitter. Criteria: Invitae Variant Classification Sherloc (09022015). Collection method: clinical testing. Allele origin: germline.

Ambry Genetics
Classification: Uncertain significance for Dyskeratosis congenita. Last evaluated: 2025-04-15. Review status: criteria provided, single submitter. Criteria: Ambry Variant Classification Scheme 2023. Collection method: clinical testing. Allele origin: germline.
Comment: The p.T1039M variant (also known as c.3116C>T), located in coding exon 14 of the TERT gene, results from a C to T substitution at nucleotide position 3116. The threonine at codon 1039 is replaced by methionine, an amino acid with similar properties. This amino acid position is not well conserved in available vertebrate species. In addition, this alteration is predicted to be tolerated by in silico analysis. Based on the available evidence, the clinical significance of this variant remains unclear.

Sema4
Classification: Uncertain significance for Dyskeratosis congenita. Last evaluated: 2021-07-16. Review status: criteria provided, single submitter. Criteria: Sema4 Curation Guidelines. Collection method: curation. Allele origin: germline.
Comment: The TERT c.3116C>T (p.T1039M) variant has not been reported in the literature to our knowledge. It was observed in 3/280328 chromosomes in the large and broad cohorts of the Genome Aggregation Database. The variant has been reported in ClinVar (Variation ID 572727). Functional studies have not been performed and in silico predictions of the variant's effect on protein function are inconclusive. The evidence is insufficient to meet ACMG/AMP criteria for classifying the variant as benign or pathogenic. Thus, the clinical significance of this variant is currently uncertain.